The following is an entry in ClinVar:

ClinVar aggregate classification (germline): Pathogenic (1 of 4 stars; one submission).

Submission:

Labcorp Genetics (formerly Invitae), Labcorp
Classification: Pathogenic. Last evaluated: 2023-05-19. Review status: criteria provided, single submitter. Criteria: Invitae Variant Classification Sherloc (09022015). Collection method: clinical testing. Allele origin: germline.
Comment: This sequence change creates a premature translational stop signal (p.Cys834Valfs*7) in the TET2 gene. It is expected to result in an absent or disrupted protein product. Loss-of-function variants in TET2 are known to be pathogenic (PMID: 36066697). This variant is not present in population databases (gnomAD no frequency). This variant has not been reported in the literature in individuals affected with TET2-related conditions. For these reasons, this variant has been classified as Pathogenic.

Literature cited by the submitters: PubMed 36066697.

NM_001127208.3(TET2):c.2500del (p.Cys834fs)

Genes: TET2 (tet methylcytosine dioxygenase 2; plus strand), TET2-AS1 (TET2 antisense RNA 1; minus strand). Cytogenetic location: 4q24.
Variant type: Deletion.
Coding change: c.2500del on transcript NM_001127208.3 (MANE Select); coding-DNA position 2500, one base deleted (T; older notation c.2500delT).
Protein change: p.Cys834fs; shifts the reading frame from cysteine 834.
Molecular consequence: frameshift variant.
Genome position (GRCh38, 1-based): chr4:105,236,442, T deleted; the last of 2 consecutive T bases (chr4:105,236,441-105,236,442); deleting either gives the same sequence. VCF-style (leftmost placement, unchanged base first): chr4-105236440-CT-C. GRCh37 (hg19) VCF-style: chr4-106157597-CT-C.
Other names: c.2500del, p.Cys834fs (NM_017628.4); short protein forms C834fs.
Identifiers: ClinVar variation 2865862 (VCV002865862.3), dbSNP rs2476501205, ClinGen allele CA2739270237.